The following is an entry in ClinVar:

NM_004562.3(PRKN):c.1112C>T (p.Ala371Val)

Gene: PRKN (parkin RBR E3 ubiquitin protein ligase; minus strand). Cytogenetic location: 6q26.
Variant type: single nucleotide variant.
Coding change: c.1112C>T on transcript NM_004562.3 (MANE Select); coding-DNA position 1112, C replaced by T.
Protein change: p.Ala371Val; replaces alanine 371 with valine.
Molecular consequence: missense variant.
Genome position (GRCh38, 1-based): chr6:161,386,849, G>A on the plus strand (C>T on the coding strand, the complement: PRKN is on the minus strand). VCF-style: chr6-161386849-G-A. GRCh37 (hg19) VCF-style: chr6-161807881-G-A.
Other names: c.1112C>T (NM_004562.2); c.1028C>T, p.Ala343Val (NM_013987.3); c.665C>T, p.Ala222Val (NM_013988.3); short protein forms A222V, A343V, A371V.
Identifiers: ClinVar variation 1049342 (VCV001049342.2), dbSNP rs375036403, ClinGen allele CA4090024.
Genomic context (GRCh38, chr6:161,386,849, plus strand): 5'-TGTACCTGAGTAGTTGTTCCTGAGGCTTCAAATACGGCACTGCACTCCCCTTCATGGTAC[G>A]CTTCTTTACATTCCCGGCAGAAGGCAAACTGCAAAAGAACACACATCCATTAATTAGGGA-3'
Protein context (NP_004553.2, residues 361-381): GFAFCRECKE[Ala371Val]YHEGECSAVF

ClinVar aggregate classification (germline): Uncertain significance. Review status: criteria provided, single submitter (1 of 4 stars). 2 submissions from 2 submitters: Uncertain significance (1). 1 of the submissions does not count toward it. Last evaluated 2025-10-01.

Conditions:
Inborn genetic diseases. Identifiers: MedGen C0950123, MeSH D030342.

Allele frequency attached by ClinVar (database versions not stated): gnomAD exomes 0.00002 and 0.00006; gnomAD 0.00006 and 0.00007; ExAC 0.00001; TOPMed 0.00005; ESP Exome Variant Server 0.00008.
gnomAD v4.1: 95 of 1,614,020 alleles (0.0059%); highest among the groups gnomAD compares: Middle Eastern, 0.016%; no homozygotes.

Submissions (2):

Ambry Genetics
Classification: Uncertain significance for Inborn genetic diseases. Last evaluated: 2025-10-01. Review status: criteria provided, single submitter. Criteria: Ambry Variant Classification Scheme 2023. Collection method: clinical testing. Allele origin: germline.

Department of Pathology and Laboratory Medicine, Sinai Health System
Classification: Uncertain significance. Review status: no assertion criteria provided. Collection method: clinical testing. Allele origin: unknown. Affected: yes. Study: The Canadian Open Genetics Repository (COGR). Not counted in ClinVar's aggregate classification.
Comment: The PRKN p.Ala222Val variant was not identified in the literature nor was it identified in ClinVar or LOVD 3.0. The variant was identified in dbSNP (ID: rs375036403) and in control databases in 6 of 282870 chromosomes at a frequency of 0.00002121 (Genome Aggregation Database March 6, 2019, v2.1.1). The variant was observed in the following populations: East Asian in 1 of 19954 chromosomes (freq: 0.00005), European (non-Finnish) in 4 of 129182 chromosomes (freq: 0.000031) and Latino in 1 of 35438 chromosomes (freq: 0.000028), but was not observed in the African, Ashkenazi Jewish, European (Finnish), Other, or South Asian populations. The p.Ala222 residue is conserved in mammals but not in more distantly related organisms however computational analyses (PolyPhen-2, SIFT, AlignGVGD, BLOSUM, MutationTaster) do not suggest a high likelihood of impact to the protein; this information is not predictive enough to rule out pathogenicity. The variant occurs outside of the splicing consensus sequence and in silico or computational prediction software programs (SpliceSiteFinder, MaxEntScan, NNSPLICE, GeneSplicer) do not predict a difference in splicing. In summary, based on the above information the clinical significance of this variant cannot be determined with certainty at this time. This variant is classified as a variant of uncertain significance.